The following is an entry in ClinVar:

NM_001330260.2(SCN8A):c.4044G>C (p.Leu1348Phe)

Gene: SCN8A (sodium voltage-gated channel alpha subunit 8; plus strand). Cytogenetic location: 12q13.13.
Variant type: single nucleotide variant.
Coding change: c.4044G>C on transcript NM_001330260.2 (MANE Select); coding-DNA position 4044, G replaced by C.
Protein change: p.Leu1348Phe; replaces leucine 1348 with phenylalanine.
Molecular consequence: missense variant.
Genome position (GRCh38, 1-based): chr12:51,786,643, G>C. VCF-style: chr12-51786643-G-C. GRCh37 (hg19) VCF-style: chr12-52180427-G-C.
Other names: c.3921G>C, p.Leu1307Phe (NM_001177984.3, NM_001369788.1); c.4044G>C, p.Leu1348Phe (NM_014191.4); short protein forms L1307F, L1348F.
Identifiers: ClinVar variation 2572216 (VCV002572216.1), dbSNP rs2540302084, ClinGen allele CA384905099.

ClinVar aggregate classification (germline): Likely pathogenic (1 of 4 stars; one submission).

Conditions:
SCN8A-related disorder.

Submission:

Greenwood Genetic Center Diagnostic Laboratories, Greenwood Genetic Center
Classification: Likely pathogenic for SCN8A-related disorder. Last evaluated: 2023-05-12. Review status: criteria provided, single submitter. Criteria: ACMG Guidelines, 2015. Collection method: clinical testing. Allele origin: germline. Affected: yes.
Comment: PS2, PM2, PP2, PP3